The following is an entry in ClinVar:

NM_000152.5(GAA):c.1692del (p.Leu565fs)

Gene: GAA (alpha glucosidase; plus strand). Cytogenetic location: 17q25.3.
Variant type: Deletion.
Coding change: c.1692del on transcript NM_000152.5 (MANE Select); coding-DNA position 1692, one base deleted (T; older notation c.1692delT).
Protein change: p.Leu565fs; shifts the reading frame from leucine 565.
Molecular consequence: frameshift variant.
Genome position (GRCh38, 1-based): chr17:80,112,038, T deleted; the last of 3 consecutive T bases (chr17:80,112,036-80,112,038); deleting any one gives the same sequence. VCF-style (leftmost placement, unchanged base first): chr17-80112035-GT-G. GRCh37 (hg19) VCF-style: chr17-78085834-GT-G.
Other names: c.1692del (LRG_673t1); c.1692delT (NM_000152.4); c.1692del, p.Leu565fs (NM_001079803.3, NM_001079804.3); short protein forms L565fs.
Identifiers: ClinVar variation 520974 (VCV000520974.15), dbSNP rs1555601234, ClinGen allele CA658798979.

ClinVar aggregate classification (germline): Likely pathogenic. Review status: reviewed by expert panel (3 of 4 stars). 4 submissions from 4 submitters: Likely pathogenic (1). 3 of the submissions do not count toward it. Last evaluated 2026-04-09.

Conditions:
Glycogen storage disease, type II (IOPD). Also called: POMPE DISEASE, INFANTILE-ONSET; GLYCOGEN STORAGE DISEASE II, INFANTILE-ONSET; ACID ALPHA-GLUCOSIDASE DEFICIENCY, INFANTILE-ONSET; GAA DEFICIENCY, INFANTILE-ONSET; ACID MALTASE DEFICIENCY, INFANTILE-ONSET; CARDIOMEGALIA GLYCOGENICA DIFFUSA. Identifiers: Orphanet 365, MedGen C0017921, MONDO:0009290, OMIM 232300.
Inborn genetic diseases. Identifiers: MedGen C0950123, MeSH D030342.

Submissions (4):

ClinGen Lysosomal Storage Disorder Variant Curation Expert Panel
Classification: Likely pathogenic for Glycogen storage disease, type II. Last evaluated: 2026-04-09. Review status: reviewed by expert panel. Criteria: clingen_lsd_acmg_specifications_v2-1. Collection method: curation. Allele origin: germline. Inheritance: Autosomal recessive inheritance.
Comment: The NM_000152.5:c.1692del (p.Leu565SerfsTer13) variant in GAA is a frameshift variant predicted to cause a premature stop codon in exon 12 out of a total of 20 exons, leading to nonsense mediated decay in a gene in which loss-of-function is an established disease mechanism (PVS1). The variant is absent in gnomAD v4.1.0. (PM2_Supporting). To our knowledge, this variant has not been reported in the literature, and the results of functional studies are not available. There is a ClinVar entry for this variant (Variation ID: 520974). The classification of this variant has been upgraded from Variant of Uncertain Significance to Likely Pathogenic based on the recommendations of the ClinGen Sequence Variant Interpretation Working Group, that a variant meeting PVS1 and PM2_Supporting is classified as Likely Pathogenic. In summary, this variant meets the criteria to be classified as Likely Pathogenic for Pompe disease. GAA-specific ACMG/AMP criteria met, based on the specifications of the ClinGen Lysosomal Diseases VCEP (Specifications Version 2.0): PVS1, PM2_Supporting. (Classification approved by the ClinGen Lysosomal Diseases VCEP, April 9, 2026).

Natera, Inc.
Classification: Likely pathogenic for Glycogen storage disease type II. Last evaluated: 2024-03-28. Review status: criteria provided, single submitter. Criteria: Natera Variant Classification Schema (03/2026). Collection method: clinical testing. Allele origin: germline. Not counted in ClinVar's aggregate classification.
Comment: The c.1692delT variant in GAA is a frameshift variant predicted to shift the reading frame beginning at codon 565 and leads to a stop codon 13 codons downstream. This variant is expected to result in nonsense mediated decay, truncation, or a dysfunctional protein product. This variant is rare in the general population with a frequency below the threshold expected for the associated phenotype(s). Given the available evidence, this variant is classified as Likely Pathogenic.

Labcorp Genetics (formerly Invitae), Labcorp
Classification: Pathogenic for Glycogen storage disease, type II. Last evaluated: 2020-12-16. Review status: criteria provided, single submitter. Criteria: Invitae Variant Classification Sherloc (09022015). Collection method: clinical testing. Allele origin: germline. Not counted in ClinVar's aggregate classification.
Comment: For these reasons, this variant has been classified as Pathogenic. This variant has not been reported in the literature in individuals with GAA-related conditions. ClinVar contains an entry for this variant (Variation ID: 520974). This variant is not present in population databases (ExAC no frequency). This sequence change creates a premature translational stop signal (p.Leu565Serfs*13) in the GAA gene. It is expected to result in an absent or disrupted protein product. Loss-of-function variants in GAA are known to be pathogenic (PMID: 18425781, 22252923).

Ambry Genetics
Classification: Pathogenic for Inborn genetic diseases. Last evaluated: 2016-02-24. Review status: criteria provided, single submitter. Criteria: Ambry exome assertion method (8-5-2015). Collection method: clinical testing. Allele origin: germline. Affected: yes. Observed: 1 variant allele. Not counted in ClinVar's aggregate classification.

Literature cited by the submitters: PubMed 18425781 (cited by Labcorp Genetics (formerly Invitae), Labcorp); PubMed 22252923 (cited by Labcorp Genetics (formerly Invitae), Labcorp).